The following is an entry in ClinVar:

ClinVar aggregate classification (germline): Pathogenic. Review status: criteria provided, multiple submitters, no conflicts (2 of 4 stars). 3 submissions from 3 submitters: Pathogenic (2). 1 of the submissions does not count toward it. Last evaluated 2024-10-23.

Conditions:
Epileptic encephalopathy. Identifiers: MedGen C0543888, HP:0200134.
Developmental and epileptic encephalopathy, 59. Also called: Early infantile epileptic encephalopathy 59. Identifiers: MedGen C4693550, MONDO:0033368, OMIM 617904.

Submissions (3):

Labcorp Genetics (formerly Invitae), Labcorp
Classification: Pathogenic for Epileptic encephalopathy. Last evaluated: 2024-10-23. Review status: criteria provided, single submitter. Criteria: Invitae Variant Classification Sherloc (09022015). Collection method: clinical testing. Allele origin: germline.
Comment: This sequence change replaces glycine, which is neutral and non-polar, with tryptophan, which is neutral and slightly polar, at codon 693 of the GABBR2 protein (p.Gly693Trp). This variant is not present in population databases (gnomAD no frequency). This missense change has been observed in individual(s) with developmental and epileptic encephalopathy (PMID: 29100083, 32860008, 35414446). In at least one individual the variant was observed to be de novo. ClinVar contains an entry for this variant (Variation ID: 496588). Invitae Evidence Modeling of protein sequence and biophysical properties (such as structural, functional, and spatial information, amino acid conservation, physicochemical variation, residue mobility, and thermodynamic stability) indicates that this missense variant is not expected to disrupt GABBR2 protein function with a negative predictive value of 80%. For these reasons, this variant has been classified as Pathogenic.

CENTOGENE GmbH and LLC - Guiding Precision Medicine
Classification: Pathogenic for Developmental and epileptic encephalopathy, 59. Review status: criteria provided, single submitter. Criteria: ACMG Guidelines, 2015. Collection method: clinical testing. Allele origin: de novo. Affected: yes.

OMIM
Classification: Pathogenic for DEVELOPMENTAL AND EPILEPTIC ENCEPHALOPATHY 59. Last evaluated: 2020-11-11. Review status: no assertion criteria provided. Collection method: literature only. Allele origin: germline. Not counted in ClinVar's aggregate classification.

Literature cited by the submitters: PubMed 29100083 (cited by Labcorp Genetics (formerly Invitae), Labcorp and OMIM); PubMed 32860008 (cited by Labcorp Genetics (formerly Invitae), Labcorp and CENTOGENE GmbH and LLC - Guiding Precision Medicine); PubMed 35414446 (cited by Labcorp Genetics (formerly Invitae), Labcorp).

NM_005458.8(GABBR2):c.2077G>T (p.Gly693Trp)

Gene: GABBR2 (gamma-aminobutyric acid type B receptor subunit 2; minus strand). Cytogenetic location: 9q22.33.
Variant type: single nucleotide variant.
Coding change: c.2077G>T on transcript NM_005458.8 (MANE Select); coding-DNA position 2077, G replaced by T.
Protein change: p.Gly693Trp; replaces glycine 693 with tryptophan.
Molecular consequence: missense variant.
Genome position (GRCh38, 1-based): chr9:98,306,273, C>A on the plus strand (G>T on the coding strand, the complement: GABBR2 is on the minus strand). VCF-style: chr9-98306273-C-A. GRCh37 (hg19) VCF-style: chr9-101068555-C-A.
Other names: short protein forms G693W.
Identifiers: ClinVar variation 496588 (VCV000496588.7), dbSNP rs1554689320, ClinGen allele CA374199918.
Genomic context (GRCh38, chr9:98,306,273, plus strand): 5'-TCAGGAAGGAGACAGCGGCCCCGATGATGCACATGATCCCCACGTTGTAGACACTCATCC[C>A]GATGTACTTGCTGTCGTTGAGTGCGGGGATGCTGACGTTGCGGGTCTCCCAAGCTAAGAA-3'
Protein context (NP_005449.5, residues 683-703): IPALNDSKYI[Gly693Trp]MSVYNVGIMC